The following is an entry in ClinVar:

ClinVar aggregate classification (germline): Benign. Review status: criteria provided, multiple submitters, no conflicts (2 of 4 stars). 9 submissions from 7 submitters: Benign (6). 3 of the submissions do not count toward it. Last evaluated 2021-09-05.

Conditions:
Lethal congenital contracture syndrome 4 (LCCS4). Identifiers: MedGen C3554046, MONDO:0013965, OMIM 614915.
Arthrogryposis, distal, type 1B. Identifiers: Orphanet 1146, MedGen C3280526, MONDO:0013698, OMIM 614335.
Myopathy, congenital, with tremor. Also called: myogenic tremor; CONGENITAL MYOPATHY 16. Identifiers: MedGen C5231401, MONDO:0032797, OMIM 618524.

Allele frequency attached by ClinVar (database versions not stated): gnomAD 0.55606 and 0.55937; 1000 Genomes Project 30x 0.56683; 1000 Genomes Project 0.57009; TOPMed 0.54504; ExAC 0.62926; gnomAD exomes 0.53648 and 0.54805.
gnomAD v4.1: 842,235 of 1,532,276 alleles (55%); highest among the groups gnomAD compares: South Asian, 66%; 234,173 homozygotes.

Submissions (9):

Genome-Nilou Lab
Classification: Benign for Arthrogryposis, distal, type 1B. Last evaluated: 2021-09-05. Review status: criteria provided, single submitter. Criteria: ACMG Guidelines, 2015. Collection method: clinical testing. Allele origin: germline. Affected: no.

Genome-Nilou Lab
Classification: Benign for Lethal congenital contracture syndrome 4. Last evaluated: 2021-09-05. Review status: criteria provided, single submitter. Criteria: ACMG Guidelines, 2015. Collection method: clinical testing. Allele origin: germline. Affected: no.

Genome-Nilou Lab
Classification: Benign for Myopathy, congenital, with tremor. Last evaluated: 2021-09-05. Review status: criteria provided, single submitter. Criteria: ACMG Guidelines, 2015. Collection method: clinical testing. Allele origin: germline. Affected: no.

GeneDx
Classification: Benign. Last evaluated: 2018-11-12. Review status: criteria provided, single submitter. Criteria: GeneDx Variant Classification Process June 2021. Collection method: clinical testing. Allele origin: germline. Affected: yes.

Illumina Laboratory Services, Illumina
Classification: Benign for Arthrogryposis, distal, type 1B. Last evaluated: 2018-01-13. Review status: criteria provided, single submitter. Criteria: ICSL Variant Classification Criteria 13 December 2019. Collection method: clinical testing. Allele origin: germline.
Comment: This variant was observed in the ICSL laboratory as part of a predisposition screen in an ostensibly healthy population. It had not been previously curated by ICSL or reported in the Human Gene Mutation Database (HGMD: prior to June 1st, 2018), and was therefore a candidate for classification through an automated scoring system. Utilizing variant allele frequency, disease prevalence and penetrance estimates, and inheritance mode, an automated score was calculated to assess if this variant is too frequent to cause the disease. Based on the score and internal cut-off values, a variant classified as benign is not then subjected to further curation. The score for this variant resulted in a classification of benign for this disease.

Breakthrough Genomics
Classification: Benign. Review status: criteria provided, single submitter. Criteria: ACMG Guidelines, 2015. Collection method: not provided. Allele origin: germline. Inheritance: Autosomal recessive inheritance. Affected: yes.

Clinical Genetics, Academic Medical Center
Classification: Benign. Review status: no assertion criteria provided. Collection method: clinical testing. Allele origin: germline. Affected: yes. Study: VKGL Data-share Consensus. Not counted in ClinVar's aggregate classification.

Diagnostic Laboratory, Department of Genetics, University Medical Center Groningen
Classification: Benign. Review status: no assertion criteria provided. Collection method: clinical testing. Allele origin: germline. Affected: yes. Study: VKGL Data-share Consensus. Not counted in ClinVar's aggregate classification.

Joint Genome Diagnostic Labs from Nijmegen and Maastricht, Radboudumc and MUMC+
Classification: Benign. Review status: no assertion criteria provided. Collection method: clinical testing. Allele origin: germline. Affected: yes. Study: VKGL Data-share Consensus. Not counted in ClinVar's aggregate classification.

NM_002465.4(MYBPC1):c.*78G>A

Gene: MYBPC1 (myosin binding protein C1; plus strand). Cytogenetic location: 12q23.2.
Variant type: single nucleotide variant.
Coding change: c.*78G>A on transcript NM_002465.4 (MANE Select); 78 bases downstream of the stop codon, G replaced by A.
Molecular consequence: 3 prime UTR variant. On other transcripts: synonymous variant (4).
Genome position (GRCh38, 1-based): chr12:101,685,640, G>A. VCF-style: chr12-101685640-G-A. GRCh37 (hg19) VCF-style: chr12-102079418-G-A.
Other names: c.*8G>A (NM_001254718.3); c.*78G>A (NM_001254719.3, NM_001254720.3, NM_001254721.3 and 2 more transcripts); c.3378G>A, p.Ser1126= (NM_001254723.3); c.3492G>A, p.Ser1164= (NM_001404675.1); c.3360G>A, p.Ser1120= (NM_001404676.1); c.3282G>A, p.Ser1094= (NM_001404677.1); c.*88G>A (NM_001404678.1, NM_001404680.1, NM_001404681.1 and 3 more transcripts).
Identifiers: ClinVar variation 306752 (VCV000306752.18), dbSNP rs2764, ClinGen allele CA6745449.